The following is an entry in ClinVar:

ClinVar aggregate classification (germline): Pathogenic. Review status: criteria provided, multiple submitters, no conflicts (2 of 4 stars). 2 submissions from 2 submitters: Pathogenic (2). Last evaluated 2025-08-25.

Conditions:
Vici syndrome (VICIS). Identifiers: Orphanet 1493, MedGen C1855772, MONDO:0009452, OMIM 242840.

gnomAD v4.1: 2 of 1,480,876 alleles (0.00014%); highest among the groups gnomAD compares: Admixed American, 0.0023%; no homozygotes.

Submissions (2):

Daryl Scott Lab, Baylor College of Medicine
Classification: Pathogenic for Vici syndrome. Last evaluated: 2025-08-25. Review status: criteria provided, single submitter. Criteria: ACMG Guidelines, 2015. Collection method: clinical testing. Allele origin: maternal. Affected: yes. Observed: 1 compound heterozygote.
Comment: PVS1, PM2, PM3

Labcorp Genetics (formerly Invitae), Labcorp
Classification: Pathogenic for Vici syndrome. Last evaluated: 2018-05-13. Review status: criteria provided, single submitter. Criteria: Invitae Variant Classification Sherloc (09022015). Collection method: clinical testing. Allele origin: germline.
Comment: This sequence change affects an acceptor splice site in intron 3 of the EPG5 gene. It is expected to disrupt RNA splicing and likely results in an absent or disrupted protein product. This variant is not present in population databases (ExAC no frequency). This variant has not been reported in the literature in individuals with EPG5-related disease. A different variant affecting this nucleotide (c.c.1253-1G>T) has been determined to be pathogenic (PMID: 23222957). This suggests that this nucleotide is important for normal RNA splicing, and that other variants at this position may also be pathogenic. Donor and acceptor splice site variants typically lead to a loss of protein function (PMID: 16199547), and loss-of-function variants in EPG5 are known to be pathogenic (PMID: 23222957, 23674064). For these reasons, this variant has been classified as Pathogenic.

Literature cited by the submitters: PubMed 23222957 (cited by Labcorp Genetics (formerly Invitae), Labcorp); PubMed 16199547 (cited by Labcorp Genetics (formerly Invitae), Labcorp); PubMed 23674064 (cited by Labcorp Genetics (formerly Invitae), Labcorp).

NM_020964.3(EPG5):c.1253-1G>A

Genes: EPG5 (ectopic P-granules 5 autophagy tethering factor; minus strand), LOC126862737 (P300/CBP strongly-dependent group 1 enhancer GRCh37_chr18:43530707-43531906; plus strand). Cytogenetic location: 18q21.1.
Variant type: single nucleotide variant.
Coding change: c.1253-1G>A on transcript NM_020964.3 (MANE Select); the canonical splice acceptor site of the intron before coding-DNA position 1253, G replaced by A.
Molecular consequence: splice acceptor variant.
Genome position (GRCh38, 1-based): chr18:45,951,239, C>T on the plus strand (G>A on the coding strand, the complement: EPG5 is on the minus strand). VCF-style: chr18-45951239-C-T. GRCh37 (hg19) VCF-style: chr18-43531205-C-T.
Other names: c.1253-1G>A (NM_001410858.1, NM_001410859.1).
Identifiers: ClinVar variation 581923 (VCV000581923.11), dbSNP rs1470797555, ClinGen allele CA402349799.